The following is an entry in ClinVar:

ClinVar aggregate classification (germline): Uncertain significance. Review status: criteria provided, multiple submitters, no conflicts (2 of 4 stars). 4 submissions from 4 submitters: Uncertain significance (4). Last evaluated 2025-11-18.

Conditions:
Cardiovascular phenotype. Identifiers: MedGen CN230736.
Catecholaminergic polymorphic ventricular tachycardia (CVPT). Also called: Catecholamine-induced polymorphic ventricular tachycardia. Identifiers: Orphanet 3286, MedGen C5574922, MONDO:0017990.
Catecholaminergic polymorphic ventricular tachycardia 1. Also called: RYR2-Related Catecholaminergic Polymorphic Ventricular Tachycardia; VENTRICULAR TACHYCARDIA, CATECHOLAMINERGIC POLYMORPHIC, 1, WITH OR WITHOUT ATRIAL DYSFUNCTION AND/OR DILATED CARDIOMYOPATHY; VENTRICULAR TACHYCARDIA, STRESS-INDUCED POLYMORPHIC 1. Identifiers: Orphanet 3286, MedGen C1631597, MONDO:0011484, OMIM 604772.
Cardiomyopathy (CMYO). Also called: Cardiomyopathies. Identifiers: Orphanet 167848, MedGen C0878544, MONDO:0004994, HP:0001638. Inheritance: Various modes of inheritance.

Allele frequency attached by ClinVar (database versions not stated): gnomAD 0.00001; TOPMed 0.00002.
gnomAD v4.1: 32 of 1,613,830 alleles (0.002%); highest among the groups gnomAD compares: Admixed American, 0.013%; no homozygotes.

Submissions (4):

Labcorp Genetics (formerly Invitae), Labcorp
Classification: Uncertain significance for Catecholaminergic polymorphic ventricular tachycardia 1. Last evaluated: 2025-11-18. Review status: criteria provided, single submitter. Criteria: Invitae Variant Classification Sherloc (09022015). Collection method: clinical testing. Allele origin: germline.
Comment: This sequence change replaces glycine, which is neutral and non-polar, with arginine, which is basic and polar, at codon 1099 of the RYR2 protein (p.Gly1099Arg). This variant is present in population databases (rs767849564, gnomAD 0.02%). This variant has not been reported in the literature in individuals affected with RYR2-related conditions. ClinVar contains an entry for this variant (Variation ID: 201237). Invitae Evidence Modeling of protein sequence and biophysical properties (such as structural, functional, and spatial information, amino acid conservation, physicochemical variation, residue mobility, and thermodynamic stability) indicates that this missense variant is expected to disrupt RYR2 protein function with a positive predictive value of 95%. In summary, the available evidence is currently insufficient to determine the role of this variant in disease. Therefore, it has been classified as a Variant of Uncertain Significance.

All of Us Research Program, National Institutes of Health
Classification: Uncertain significance for Catecholaminergic polymorphic ventricular tachycardia. Last evaluated: 2024-08-06. Review status: criteria provided, single submitter. Criteria: ACMG Guidelines, 2015. Collection method: clinical testing. Allele origin: germline. Inheritance: Autosomal dominant inheritance. Observed: 8 variant alleles, 8 heterozygotes.
Comment: This missense variant replaces glycine with arginine at codon 1099 of the RYR2 protein. Computational prediction suggests that this variant may have deleterious impact on protein structure and function (internally defined REVEL score threshold >= 0.7, PMID: 27666373). Splice site prediction tools suggest that this variant may not impact RNA splicing. To our knowledge, functional studies have not been performed for this variant. This variant has not been reported in individuals affected with cardiovascular disorders in the literature. This variant has been identified in 9/249086 chromosomes in the general population by the Genome Aggregation Database (gnomAD). The available evidence is insufficient to determine the role of this variant in disease conclusively. Therefore, this variant is classified as a Variant of Uncertain Significance.

This study involves interpretation of variants in research participants for the purpose of population health screening. Participant phenotype was not available at the time of variant classification. Additional details can be found in publication PMID: 35346344, PMCID: PMC8962531

Color Diagnostics, LLC DBA Color Health
Classification: Uncertain significance for Cardiomyopathy. Last evaluated: 2024-03-06. Review status: criteria provided, single submitter. Criteria: ACMG Guidelines, 2015. Collection method: clinical testing. Allele origin: germline.
Comment: This missense variant replaces glycine with arginine at codon 1099 of the RYR2 protein. Computational prediction suggests that this variant may have deleterious impact on protein structure and function (internally defined REVEL score threshold >= 0.7, PMID: 27666373). To our knowledge, functional studies have not been reported for this variant. This variant has not been reported in individuals affected with RYR2-related disorders in the literature. This variant has been identified in 9/249086 chromosomes in the general population by the Genome Aggregation Database (gnomAD). The available evidence is insufficient to determine the role of this variant in disease conclusively. Therefore, this variant is classified as a Variant of Uncertain Significance.

Ambry Genetics
Classification: Uncertain significance for Cardiovascular phenotype. Last evaluated: 2023-06-12. Review status: criteria provided, single submitter. Criteria: Ambry Variant Classification Scheme 2023. Collection method: clinical testing. Allele origin: germline.
Comment: The p.G1099R variant (also known as c.3295G>A), located in coding exon 28 of the RYR2 gene, results from a G to A substitution at nucleotide position 3295. The glycine at codon 1099 is replaced by arginine, an amino acid with dissimilar properties. This amino acid position is highly conserved in available vertebrate species. In addition, this alteration is predicted to be deleterious by in silico analysis. Since supporting evidence is limited at this time, the clinical significance of this alteration remains unclear.

NM_001035.3(RYR2):c.3295G>A (p.Gly1099Arg)

Gene: RYR2 (ryanodine receptor 2; plus strand). Cytogenetic location: 1q43.
Variant type: single nucleotide variant.
Coding change: c.3295G>A on transcript NM_001035.3 (MANE Select); coding-DNA position 3295, G replaced by A.
Protein change: p.Gly1099Arg; replaces glycine 1099 with arginine.
Molecular consequence: missense variant.
Genome position (GRCh38, 1-based): chr1:237,566,647, G>A. VCF-style: chr1-237566647-G-A. GRCh37 (hg19) VCF-style: chr1-237729947-G-A.
Other names: c.3295G>A, p.Gly1099Arg (LRG_402t1); short protein forms G1099R.
Identifiers: ClinVar variation 201237 (VCV000201237.18), dbSNP rs767849564, ClinGen allele CA009175.